The following is an entry in ClinVar:

ClinVar aggregate classification (germline): Uncertain significance. Review status: criteria provided, multiple submitters, no conflicts (2 of 4 stars). 2 submissions from 2 submitters: Uncertain significance (2). Last evaluated 2025-09-25.

Conditions:
Inborn genetic diseases. Identifiers: MedGen C0950123, MeSH D030342.

Allele frequency attached by ClinVar (database versions not stated): gnomAD exomes 0.00002 and 0.00003; gnomAD 0.00009 and 0.00011; TOPMed 0.00010; ExAC 0.00006; 1000 Genomes Project 0.00060; 1000 Genomes Project 30x 0.00062.
gnomAD v4.1: 57 of 1,613,012 alleles (0.0035%); highest among the groups gnomAD compares: Middle Eastern, 0.033%; no homozygotes.

Submissions (2):

Ambry Genetics
Classification: Uncertain significance for Inborn genetic diseases. Last evaluated: 2025-09-25. Review status: criteria provided, single submitter. Criteria: Ambry Variant Classification Scheme 2023. Collection method: clinical testing. Allele origin: germline.

Labcorp Genetics (formerly Invitae), Labcorp
Classification: Uncertain significance. Last evaluated: 2022-08-16. Review status: criteria provided, single submitter. Criteria: Invitae Variant Classification Sherloc (09022015). Collection method: clinical testing. Allele origin: germline.
Comment: This sequence change replaces valine, which is neutral and non-polar, with isoleucine, which is neutral and non-polar, at codon 450 of the PYROXD1 protein (p.Val450Ile). This variant is present in population databases (rs145568024, gnomAD 0.03%). This variant has not been reported in the literature in individuals affected with PYROXD1-related conditions. ClinVar contains an entry for this variant (Variation ID: 1502349). Algorithms developed to predict the effect of missense changes on protein structure and function are either unavailable or do not agree on the potential impact of this missense change (SIFT: "Deleterious"; PolyPhen-2: "Benign"; Align-GVGD: "Class C0"). In summary, the available evidence is currently insufficient to determine the role of this variant in disease. Therefore, it has been classified as a Variant of Uncertain Significance.

NM_024854.5(PYROXD1):c.1348G>A (p.Val450Ile)

Gene: PYROXD1 (pyridine nucleotide-disulphide oxidoreductase domain 1; plus strand). Cytogenetic location: 12p12.1.
Variant type: single nucleotide variant.
Coding change: c.1348G>A on transcript NM_024854.5 (MANE Select); coding-DNA position 1348, G replaced by A.
Protein change: p.Val450Ile; replaces valine 450 with isoleucine.
Molecular consequence: missense variant.
Genome position (GRCh38, 1-based): chr12:21,468,599, G>A. VCF-style: chr12-21468599-G-A. GRCh37 (hg19) VCF-style: chr12-21621533-G-A.
Other names: c.1135G>A, p.Val379Ile (NM_001350912.2); c.571G>A, p.Val191Ile (NM_001350913.2); c.1348G>A (NM_024854.3); short protein forms V191I, V379I, V450I.
Identifiers: ClinVar variation 1502349 (VCV001502349.4), dbSNP rs145568024, ClinGen allele CA6478540.